The following is an entry in ClinVar:

NM_004260.4(RECQL4):c.3172C>A (p.Arg1058Ser)

Gene: RECQL4 (RecQ like helicase 4; minus strand). Cytogenetic location: 8q24.3.
Variant type: single nucleotide variant.
Coding change: c.3172C>A on transcript NM_004260.4 (MANE Select); coding-DNA position 3172, C replaced by A.
Protein change: p.Arg1058Ser; replaces arginine 1058 with serine.
Molecular consequence: missense variant.
Genome position (GRCh38, 1-based): chr8:144,512,208, G>T on the plus strand (C>A on the coding strand, the complement: RECQL4 is on the minus strand). VCF-style: chr8-144512208-G-T. GRCh37 (hg19) VCF-style: chr8-145737591-G-T.
Other names: short protein forms R1058S.
Identifiers: ClinVar variation 1017722 (VCV001017722.3), dbSNP rs375297971, ClinGen allele CA372670087.

ClinVar aggregate classification (germline): Uncertain significance (1 of 4 stars; one submission).

Conditions:
Baller-Gerold syndrome (BGS). Also called: CRANIOSYNOSTOSIS WITH RADIAL DEFECTS. Identifiers: Orphanet 1225, MedGen C0265308, MONDO:0009039, OMIM 218600.

Submission:

Labcorp Genetics (formerly Invitae), Labcorp
Classification: Uncertain significance for Baller-Gerold syndrome. Last evaluated: 2020-07-29. Review status: criteria provided, single submitter. Criteria: Invitae Variant Classification Sherloc (09022015). Collection method: clinical testing. Allele origin: germline.
Comment: In summary, the available evidence is currently insufficient to determine the role of this variant in disease. Therefore, it has been classified as a Variant of Uncertain Significance. Experimental studies and prediction algorithms are not available or were not evaluated, and the functional significance of this variant is currently unknown. This variant has not been reported in the literature in individuals with RECQL4-related conditions. This variant is not present in population databases (ExAC no frequency). This sequence change replaces arginine with serine at codon 1058 of the RECQL4 protein (p.Arg1058Ser). The arginine residue is highly conserved and there is a moderate physicochemical difference between arginine and serine.